The following is an entry in ClinVar:

NM_001004356.3(FGFRL1):c.601AAG[2] (p.Lys203del)

Gene: FGFRL1 (fibroblast growth factor receptor like 1; plus strand). Cytogenetic location: 4p16.3.
Variant type: Microsatellite.
Coding change: c.601AAG[2] on transcript NM_001004356.3 (MANE Select); two copies in a row of the 3-base unit AAG starting at c.601; the reference has three copies in a row; one copy, 3 bases deleted.
Protein change: p.Lys203del; deletes lysine 203.
Molecular consequence: inframe deletion.
Genome position (GRCh38, 1-based): chr4:1,023,990-1,023,992, AAG deleted; deleting any 3 consecutive bases within chr4:1,023,983-1,023,992 gives the same sequence; the position shown is the placement nearest the transcript's 3' end. VCF-style (leftmost placement, unchanged base first): chr4-1023982-GGAA-G. GRCh37 (hg19) VCF-style: chr4-1017770-GGAA-G.
Other names: c.601AAG[2], p.Lys203del (NM_001004358.1, NM_001370296.1, NM_021923.3); short protein forms K203del.
Identifiers: ClinVar variation 2140713 (VCV002140713.4), dbSNP rs773886054, ClinGen allele CA2802777.

ClinVar aggregate classification (germline): Uncertain significance (1 of 4 stars; one submission).

Submission:

Labcorp Genetics (formerly Invitae), Labcorp
Classification: Uncertain significance. Last evaluated: 2026-01-06. Review status: criteria provided, single submitter. Criteria: Invitae Variant Classification Sherloc (09022015). Collection method: clinical testing. Allele origin: germline.
Comment: This variant, c.607_609del, results in the deletion of 1 amino acid(s) of the FGFRL1 protein (p.Lys203del), but otherwise preserves the integrity of the reading frame. This variant is present in population databases (rs773886054, gnomAD 0.01%). This variant has not been reported in the literature in individuals affected with FGFRL1-related conditions. Experimental studies and prediction algorithms are not available or were not evaluated, and the functional significance of this variant is currently unknown. In summary, the available evidence is currently insufficient to determine the role of this variant in disease. Therefore, it has been classified as a Variant of Uncertain Significance.